The following is an entry in ClinVar:

NM_001005242.3(PKP2):c.1555A>T (p.Arg519Ter)

Gene: PKP2 (plakophilin 2; minus strand). Cytogenetic location: 12p11.21.
Variant type: single nucleotide variant.
Coding change: c.1555A>T on transcript NM_001005242.3 (MANE Select); coding-DNA position 1555, A replaced by T.
Protein change: p.Arg519Ter; replaces arginine 519 with a stop codon.
Molecular consequence: nonsense.
Genome position (GRCh38, 1-based): chr12:32,841,029, T>A on the plus strand (A>T on the coding strand, the complement: PKP2 is on the minus strand). VCF-style: chr12-32841029-T-A. GRCh37 (hg19) VCF-style: chr12-32993963-T-A.
Other names: c.1687A>T, p.Arg563Ter (NM_004572.4); short protein forms R563*, R519*.
Identifiers: ClinVar variation 379450 (VCV000379450.2), dbSNP rs1057520597, ClinGen allele CA16606521.
Genomic context (GRCh38, chr12:32,841,029, plus strand): 5'-TTGGGGCTACCTAATTTTTTATTGCATCTTCTATCAGGGCAGGGTACAGGTAGCATTACC[T>A]TAGGCATCCAGTGACGTTGTAGAATATGTCAAAATCGAGCAAACCATTTGCTTTTGGGTA-3'

ClinVar aggregate classification (germline): Pathogenic (1 of 4 stars; one submission).

Submission:

GeneDx
Classification: Pathogenic. Last evaluated: 2015-04-07. Review status: criteria provided, single submitter. Criteria: GeneDx Variant Classification (06012015). Collection method: clinical testing. Allele origin: germline. Affected: yes.
Comment: The R563X variant in the PKP2 gene has not been reported as a pathogenic variant or as a benign polymorphism to our knowledge. R563X is predicted to cause loss of normal protein function either by protein truncation or nonsense-mediated mRNA decay. Other nonsense variants in the PKP2 gene have been reported in HGMD in association with ARVC (Stenson P et al., 2014). In summary, R563X in the PKP2 gene is interpreted as a pathogenic variant.